The following is an entry in ClinVar:

NM_000038.6(APC):c.5593C>T (p.Leu1865=)

Gene: APC (APC regulator of Wnt signaling pathway; plus strand). Cytogenetic location: 5q22.2.
Variant type: single nucleotide variant.
Coding change: c.5593C>T on transcript NM_000038.6 (MANE Select); coding-DNA position 5593, C replaced by T.
Protein change: p.Leu1865=; no amino-acid change (leucine 1865 retained).
Molecular consequence: synonymous variant. On other transcripts: non-coding transcript variant (2).
Genome position (GRCh38, 1-based): chr5:112,841,187, C>T. VCF-style: chr5-112841187-C-T. GRCh37 (hg19) VCF-style: chr5-112176884-C-T.
Other names: c.5593C>T, p.Leu1865= (NM_001127510.3, NM_001354895.2, NM_001407450.1); c.5539C>T, p.Leu1847= (NM_001127511.3); c.5647C>T, p.Leu1883= (NM_001354896.2, NM_001407447.1, NM_001407448.1 and 1 more transcripts); c.5623C>T, p.Leu1875= (NM_001354897.2); c.5518C>T, p.Leu1840= (NM_001354898.2); c.5509C>T, p.Leu1837= (NM_001354899.2); c.5470C>T, p.Leu1824= (NM_001354900.2); c.5416C>T, p.Leu1806= (NM_001354901.2, NM_001407453.1); and 11 more.
Identifiers: ClinVar variation 1961996 (VCV001961996.7), dbSNP rs1064794887, ClinGen allele CA446208958.

ClinVar aggregate classification (germline): Benign/Likely benign. Review status: criteria provided, multiple submitters, no conflicts (2 of 4 stars). 3 submissions from 3 submitters: Benign (1); Likely benign (2). Last evaluated 2025-12-29.

Conditions:
Familial adenomatous polyposis 1 (FAP1). Also called: FAMILIAL ADENOMATOUS POLYPOSIS 1, ATTENUATED; POLYPOSIS, ADENOMATOUS INTESTINAL. Identifiers: MedGen C2713442, MONDO:0021056, OMIM 175100. Disease mechanism: loss of function.

gnomAD v4.1: 1 of 1,613,850 alleles (0.000062%); no homozygotes.

Submissions (3):

Center for Genomic Medicine, Rigshospitalet, Copenhagen University Hospital
Classification: Likely benign. Last evaluated: 2025-12-29. Review status: criteria provided, single submitter. Criteria: ACMG Guidelines, 2015. Collection method: clinical testing. Allele origin: germline.
Comment: Classification criteria: BP4, BP7

Myriad Genetics, Inc.
Classification: Benign for Familial adenomatous polyposis 1. Last evaluated: 2024-04-02. Review status: criteria provided, single submitter. Criteria: Myriad Autosomal Dominant, Autosomal Recessive and X-Linked Classification Criteria (2023). Collection method: clinical testing. Allele origin: unknown.
Comment: This variant is considered benign. This variant is a silent/synonymous amino acid change and it is not expected to impact splicing.

Labcorp Genetics (formerly Invitae), Labcorp
Classification: Likely benign for Familial adenomatous polyposis 1. Last evaluated: 2022-03-17. Review status: criteria provided, single submitter. Criteria: Invitae Variant Classification Sherloc (09022015). Collection method: clinical testing. Allele origin: germline.